The following is an entry in ClinVar:

NM_004247.4(EFTUD2):c.2544C>T (p.Thr848=)

Gene: EFTUD2 (elongation factor Tu GTP binding domain containing 2; minus strand). Cytogenetic location: 17q21.31.
Variant type: single nucleotide variant.
Coding change: c.2544C>T on transcript NM_004247.4 (MANE Select); coding-DNA position 2544, C replaced by T.
Protein change: p.Thr848=; no amino-acid change (threonine 848 retained).
Molecular consequence: synonymous variant.
Genome position (GRCh38, 1-based): chr17:44,853,313, G>A on the plus strand (C>T on the coding strand, the complement: EFTUD2 is on the minus strand). VCF-style: chr17-44853313-G-A. GRCh37 (hg19) VCF-style: chr17-42930681-G-A.
Other names: c.2544C>T (NM_004247.3); c.2439C>T, p.Thr813= (NM_001142605.2); c.2544C>T, p.Thr848= (NM_001258353.2); c.2514C>T, p.Thr838= (NM_001258354.2).
Identifiers: ClinVar variation 1897886 (VCV001897886.12), dbSNP rs764682372, ClinGen allele CA8607457.

ClinVar aggregate classification (germline): Likely benign. Review status: criteria provided, multiple submitters, no conflicts (2 of 4 stars). 3 submissions from 3 submitters: Likely benign (2). 1 of the submissions does not count toward it. Last evaluated 2025-12-01.

Conditions:
EFTUD2-related disorder. Also called: EFTUD2-related condition.

Allele frequency attached by ClinVar (database versions not stated): gnomAD 0.00001; TOPMed 0.00001; ExAC 0.00002.
gnomAD v4.1: 42 of 1,613,850 alleles (0.0026%); highest among the groups gnomAD compares: South Asian, 0.0088%; no homozygotes.

Submissions (3):

CeGaT Center for Human Genetics Tuebingen
Classification: Likely benign. Last evaluated: 2025-12-01. Review status: criteria provided, single submitter. Criteria: CeGaT Center For Human Genetics Tuebingen Variant Classification Criteria Version 2. Collection method: clinical testing. Allele origin: germline. Affected: yes. Observed: 1 variant allele.
Comment: EFTUD2: BP4, BP7

Labcorp Genetics (formerly Invitae), Labcorp
Classification: Likely benign. Last evaluated: 2022-02-03. Review status: criteria provided, single submitter. Criteria: Invitae Variant Classification Sherloc (09022015). Collection method: clinical testing. Allele origin: germline.

PreventionGenetics, part of Exact Sciences
Classification: Likely benign for EFTUD2-related condition. Last evaluated: 2022-12-27. Review status: no assertion criteria provided. Collection method: clinical testing. Allele origin: germline. Not counted in ClinVar's aggregate classification.
Comment: This variant is classified as likely benign based on ACMG/AMP sequence variant interpretation guidelines (Richards et al. 2015 PMID: 25741868, with internal and published modifications).